The following continues an entry in ClinVar:

NM_004004.6(GJB2):c.23C>T (p.Thr8Met)

Gene: GJB2. ClinVar aggregate classification (germline): Uncertain significance. Uncertain significance (1).

Submissions 6 to 14 of 17:

Women's Health and Genetics/Laboratory Corporation of America, LabCorp
Classification: Uncertain significance. Last evaluated: 2022-04-05. Review status: criteria provided, single submitter. Criteria: LabCorp Variant Classification Summary - May 2015. Collection method: clinical testing. Allele origin: germline. Not counted in ClinVar's aggregate classification.
Comment: Variant summary: GJB2 c.23C>T (p.Thr8Met) results in a non-conservative amino acid change located in the Connexin, N-terminal domain (IPR013092) of the encoded protein sequence. Four of five in-silico tools predict a damaging effect of the variant on protein function. The variant allele was found at a frequency of 8e-05 in 250080 control chromosomes, predominantly at a frequency of 0.00042 within the South Asian subpopulation in the gnomAD database. This frequency is not significantly higher than estimated for a pathogenic variant in GJB2 causing Non-Syndromic Hearing Loss (8e-05 vs 0.026), allowing no conclusion about variant significance. c.23C>T has been widely reported in the literature in individuals affected with Non-Syndromic Hearing Loss ranging from severe profound bilateral (example, Dalamon_2005), moderate high frequency (example, Wu_2002) and mixed with moderate (example, Kenna_2001). In a cross sectional review of the associated literature, this variant was predominantly reported along with a benign/likely benign variant, namely p.Val153Ile in hearing loss cohorts (example, Dalamon_2005, Wu_2002, Kenna_2001, Chaleshtori_2005, Snoeckx_2005, Tsukada_2010, Primignani_2009). Although the phase of these variants was not explicitly specified in most studies, one report of the occurrence of these two variants in cis was ascertained (example, Primignani_2009). Therefore, the predominantly reported genotypes are considered as uninformative in the setting of autosomal recessive non syndromic hearing loss (ARNSHL). At-least one report of this variant in homozygosity in an individual from a cohort of ARNSHL was ascertained in this evaluation (Naddafnia_2018). Recently, a study evaluating this variant utilizing the hearing-loss-gene-specific criteria of the ClinGen Hearing Loss Expert Panel classified the variant as a VUS (example, Buonfiglio_2020). Overall, these data indicate that the variant may be associated with disease, but do not provide an unequivocal association with hearing loss. At least one publication reports experimental evidence evaluating an impact on protein function. These results showed no damaging effect of this variant on targeting to cell membrane, mean junctional and unitary conductance although an altered permeability to large cationic molecules such as ethidium bromide was reported (Mese_2008). However, the exact in-vivo consequences of these findings on the pathophysiology of hearing loss is not clear. Six clinical diagnostic laboratories have submitted clinical-significance assessments for this variant to ClinVar after 2014 without evidence for independent evaluation. Multiple laboratories reported the variant with conflicting assessments (likely pathogenic, n=6; VUS, n=2). Some submitters cite overlapping evidence utilized in the context of this evaluation. Based on the evidence outlined above, the variant was classified as a VUS-possibly pathogenic.

Victorian Clinical Genetics Services, Murdoch Childrens Research Institute
Classification: Uncertain significance for Autosomal recessive nonsyndromic hearing loss 1A. Last evaluated: 2022-02-02. Review status: criteria provided, single submitter. Criteria: ACMG Guidelines, 2015. Collection method: clinical testing. Allele origin: germline. Inheritance: Autosomal recessive inheritance. Not counted in ClinVar's aggregate classification.
Comment: Based on the classification scheme VCGS_Germline_v1.3.4, this variant is classified as VUS-3B. Following criteria are met: 0102 - Loss of function is a known mechanism of disease in this gene and is associated with both deafness and skin conditions (OMIM). Dominant negative is also a suggested mechanism (PMID: 28428247). (I) 0108 - This gene is associated with both recessive and dominant disease. The autosomal dominant diseases are commonly associated with pathogenic missense variants. The autosomal recessive disease is associated with bi-allelic loss-of-function variants and includes missense and protein truncating variants (NIH Genetics Home Reference, PMID: 12792423). (I) 0112 - The condition associated with this gene has incomplete penetrance (PMID:31160754). (I) 0115 - Variants in this gene are known to have variable expressivity. Severity can range from mild to profound with intrafamilial variability. Commonly, truncating variants are associated to a more severe hearing loss (GeneReviews). (I) 0200 - Variant is predicted to result in a missense amino acid change from threonine to methionine. (I) 0251 - This variant is heterozygous. (I) 0304 - Variant is present in gnomAD (v2) <0.01 for a recessive condition (22 heterozygotes, 0 homozygotes). (SP) 0502 - Missense variant with conflicting in silico predictions and uninformative conservation. (I) 0600 - Variant is located in the annotated connexin domain (DECIPHER). (I) 0705 - No comparable missense variants have previous evidence for pathogenicity. (I) 0808 - Previous reports of pathogenicity for this variant are conflicting. It has been reported both as VUS and likely pathogenic in ClinVar. Although the Deafness Variation Database regards it as pathogenic, the classification of this variant is also conflicting in the literature and has been recently classified as VUS by a review using ACMG and ClinGen expert guidelines (PMID: 33096615). It has been detected both in healthy and affected individuals (PMIDs: 26178431, 31162818). (I) 1002 - This variant has moderate functional evidence supporting abnormal protein function. Dual whole cell patch clamp and dye flux experiments in transfected HeLa cells found that mutant localisation was not impaired and that wild-type and mutant showed comparable ionic coupling, as well as cAMP and LY permeability. However, the transfer of ethidium bromide was greatly reduced in mutants suggesting impaired permeability to large cationic molecules (PMID: 18684989). The biological and clinical significance of these results are unclear. (I) 1208 - Inheritance information for this variant is not currently available in this individual. (I) Legend: (SP) - Supporting pathogenic, (I) - Information, (SB) - Supporting benign

CeGaT Center for Human Genetics Tuebingen
Classification: Likely pathogenic. Last evaluated: 2021-10-01. Review status: criteria provided, single submitter. Criteria: CeGaT Center For Human Genetics Tuebingen Variant Classification Criteria Version 2. Collection method: clinical testing. Allele origin: germline. Affected: yes. Observed: 2 variant alleles. Not counted in ClinVar's aggregate classification.

Genome-Nilou Lab
Classification: Likely pathogenic for Autosomal recessive nonsyndromic hearing loss 1A. Last evaluated: 2021-07-22. Review status: criteria provided, single submitter. Criteria: ACMG Guidelines, 2015. Collection method: clinical testing. Allele origin: germline. Affected: no. Not counted in ClinVar's aggregate classification.

Pars Genome Lab
Classification: Likely pathogenic for Autosomal recessive nonsyndromic hearing loss 1A. Last evaluated: 2021-05-18. Review status: criteria provided, single submitter. Criteria: ACMG Guidelines, 2015. Collection method: clinical testing. Allele origin: germline. Affected: no. Not counted in ClinVar's aggregate classification.

GeneDx
Classification: Likely pathogenic. Last evaluated: 2021-04-12. Review status: criteria provided, single submitter. Criteria: GeneDx Variant Classification Process June 2021. Collection method: clinical testing. Allele origin: germline. Affected: yes. Not counted in ClinVar's aggregate classification.
Comment: Reported previously in the heterozygous state in multiple individuals with hearing loss, most commonly in cis with the V153I variant, which has been suggested to be benign (Kenna et al., 2001; Dalamon et al., 2005; Snoeckx et al., 2005; Primignani et al., 2009; Bonyadi et al., 2014; Amorini et al., 2015; Burke et al., 2016); In silico analysis supports that this missense variant does not alter protein structure/function; This variant is associated with the following publications: (PMID: 27792752, 12172394, 25388846, 15241677, 18684989, 11556849, 15964725, 26778469, 15954104, 26178431, 24529908, 20497192, 19371219, 22384008, 26096904, 29605365, 29542069, 30730013, 26188157, 31162818, 30275481, 33096615)

INGEBI, INGEBI / CONICET
Classification: Uncertain significance for Nonsyndromic hearing loss and deafness. Last evaluated: 2020-08-31. Review status: criteria provided, single submitter. Criteria: ClinGen HL ACMG Specifications v1. Collection method: clinical testing. Allele origin: germline. Inheritance: Autosomal recessive inheritance. Affected: yes. Observed: 1 variant allele. Not counted in ClinVar's aggregate classification.
Comment: Based on ACMG/AMP guidelines and Hearing Loss Expert Panel specific criteria: the filtering allele frequency of the c.23C>T, p.Thr8Met variant in GJB2 gene is 0,025% (13/30616 South Asian alleles with 95%CI) from Genome Aggregation Database (calculated by using inverse allele frequency at an online resource) which meets the criteria to apply to PM2_Supporting. Functional studies in HeLa cells using dual whole cell voltage clamp and dye transfer assay demonstrated that even though potassium permeability remains the same in CX26 mutant, there is a reduction in cationic and large molecules dye transfer compared to WT (PMID:18684989). Hence PS3 criteria was downgraded to Supporting strength: PS3_Supporting. This variant has been identified several times with the benign variant p.Val153Ile suggesting that both variants are in cis phase (PMID: 24529908, 11556849, 26096904 and 24158611). The c.23C>T variant has been identified once in homozygous state and with p.Val37Ile variant with unknown phase in patients with hearing loss (PMID: 31162818, 22384008; PM3). Computational evidence did not suggest a relevant impact of the mutation to the protein (REVEL: 0,632), neither PP3 nor BP4 rules applied. In summary, the clinical significance of this variant is currently uncertain (PM2_Supporting, PS3_Supporting, PM3).

Mendelics
Classification: Uncertain significance for Autosomal recessive nonsyndromic hearing loss 1A. Last evaluated: 2019-05-28. Review status: criteria provided, single submitter. Criteria: Mendelics Assertion Criteria 2017. Collection method: clinical testing. Allele origin: unknown. Not counted in ClinVar's aggregate classification.

Athena Diagnostics
Classification: Likely pathogenic. Last evaluated: 2018-09-28. Review status: criteria provided, single submitter. Criteria: Athena Diagnostics Criteria. Collection method: clinical testing. Allele origin: germline. Not counted in ClinVar's aggregate classification.
Comment: The best available variant frequency is uninformative because it is below the disease allele frequency. Statistically enriched in patients compared to ethnically matched controls. Conflicting predictions of the effect on the protein. Damaging to protein function(s) relevant to disease mechanism.